The following is an entry in ClinVar:

NM_020778.5(ALPK3):c.3794G>A (p.Arg1265Lys)

Gene: ALPK3 (alpha kinase 3; plus strand). Cytogenetic location: 15q25.3.
Variant type: single nucleotide variant.
Coding change: c.3794G>A on transcript NM_020778.5 (MANE Select); coding-DNA position 3794, G replaced by A.
Protein change: p.Arg1265Lys; replaces arginine 1265 with lysine.
Molecular consequence: missense variant.
Genome position (GRCh38, 1-based): chr15:84,858,532, G>A. VCF-style: chr15-84858532-G-A. GRCh37 (hg19) VCF-style: chr15-85401763-G-A.
Other names: c.4400G>A (NM_020778.4); short protein forms R1265K.
Identifiers: ClinVar variation 2199910 (VCV002199910.6), dbSNP rs755742676, ClinGen allele CA7709717.

ClinVar aggregate classification (germline): Uncertain significance. Review status: criteria provided, multiple submitters, no conflicts (2 of 4 stars). 2 submissions from 2 submitters: Uncertain significance (2). Last evaluated 2026-01-28.

Conditions:
Cardiovascular phenotype. Identifiers: MedGen CN230736.

Allele frequency attached by ClinVar (database versions not stated): TOPMed 0.00006; ExAC 0.00002; gnomAD 0.00006.
gnomAD v4.1: 21 of 1,588,580 alleles (0.0013%); highest among the groups gnomAD compares: Admixed American, 0.026%; no homozygotes.

Submissions (2):

Labcorp Genetics (formerly Invitae), Labcorp
Classification: Uncertain significance. Last evaluated: 2026-01-28. Review status: criteria provided, single submitter. Criteria: Invitae Variant Classification Sherloc (09022015). Collection method: clinical testing. Allele origin: germline.
Comment: This sequence change replaces arginine, which is basic and polar, with lysine, which is basic and polar, at codon 1467 of the ALPK3 protein (p.Arg1467Lys). This variant is present in population databases (rs755742676, gnomAD 0.02%). This variant has not been reported in the literature in individuals affected with ALPK3-related conditions. ClinVar contains an entry for this variant (Variation ID: 2199910). Invitae Evidence Modeling of protein sequence and biophysical properties (such as structural, functional, and spatial information, amino acid conservation, physicochemical variation, residue mobility, and thermodynamic stability) indicates that this missense variant is not expected to disrupt ALPK3 protein function with a negative predictive value of 80%. In summary, the available evidence is currently insufficient to determine the role of this variant in disease. Therefore, it has been classified as a Variant of Uncertain Significance.

Ambry Genetics
Classification: Uncertain significance for Cardiovascular phenotype. Last evaluated: 2023-08-08. Review status: criteria provided, single submitter. Criteria: Ambry Variant Classification Scheme 2023. Collection method: clinical testing. Allele origin: germline.
Comment: The p.R1467K variant (also known as c.4400G>A), located in coding exon 6 of the ALPK3 gene, results from a G to A substitution at nucleotide position 4400. The arginine at codon 1467 is replaced by lysine, an amino acid with highly similar properties. This amino acid position is not well conserved in available vertebrate species. In addition, this alteration is predicted to be tolerated by in silico analysis. Since supporting evidence is limited at this time, the clinical significance of this alteration remains unclear.